The following is an entry in ClinVar:

NM_001205293.3(CACNA1E):c.6870G>C (p.Gly2290=)

Gene: CACNA1E (calcium voltage-gated channel subunit alpha1 E; plus strand). Cytogenetic location: 1q25.3.
Variant type: single nucleotide variant.
Coding change: c.6870G>C on transcript NM_001205293.3 (MANE Select); coding-DNA position 6870, G replaced by C.
Protein change: p.Gly2290=; no amino-acid change (glycine 2290 retained).
Molecular consequence: synonymous variant.
Genome position (GRCh38, 1-based): chr1:181,798,762, G>C. VCF-style: chr1-181798762-G-C. GRCh37 (hg19) VCF-style: chr1-181767898-G-C.
Other names: c.6741G>C, p.Gly2247= (NM_000721.4); c.6684G>C, p.Gly2228= (NM_001205294.2).
Identifiers: ClinVar variation 2180174 (VCV002180174.13), dbSNP rs780741005, ClinGen allele CA1276516.

ClinVar aggregate classification (germline): Likely benign. Review status: criteria provided, multiple submitters, no conflicts (2 of 4 stars). 3 submissions from 3 submitters: Likely benign (3). Last evaluated 2025-08-01.

Allele frequency attached by ClinVar (database versions not stated): ExAC 0.00001; gnomAD 0.00001; TOPMed 0.00001.
gnomAD v4.1: 7 of 1,597,698 alleles (0.00044%); highest among the groups gnomAD compares: Admixed American, 0.0034%; no homozygotes.

Submissions (3):

CeGaT Center for Human Genetics Tuebingen
Classification: Likely benign. Last evaluated: 2025-08-01. Review status: criteria provided, single submitter. Criteria: CeGaT Center For Human Genetics Tuebingen Variant Classification Criteria Version 2. Collection method: clinical testing. Allele origin: germline. Affected: yes. Observed: 1 variant allele.
Comment: CACNA1E: BP4, BP7

Labcorp Genetics (formerly Invitae), Labcorp
Classification: Likely benign. Last evaluated: 2023-04-20. Review status: criteria provided, single submitter. Criteria: Invitae Variant Classification Sherloc (09022015). Collection method: clinical testing. Allele origin: germline.

Blueprint Genetics
Classification: Likely benign. Last evaluated: 2021-04-21. Review status: criteria provided, single submitter. Criteria: ACMG Guidelines, 2015. Collection method: clinical testing. Allele origin: germline.